The following is an entry in ClinVar:

NM_000228.3(LAMB3):c.2542C>T (p.Arg848Trp)

Gene: LAMB3 (laminin subunit beta 3; minus strand). Cytogenetic location: 1q32.2.
Variant type: single nucleotide variant.
Coding change: c.2542C>T on transcript NM_000228.3 (MANE Select); coding-DNA position 2542, C replaced by T.
Protein change: p.Arg848Trp; replaces arginine 848 with tryptophan.
Molecular consequence: missense variant.
Genome position (GRCh38, 1-based): chr1:209,622,996, G>A on the plus strand (C>T on the coding strand, the complement: LAMB3 is on the minus strand). VCF-style: chr1-209622996-G-A. GRCh37 (hg19) VCF-style: chr1-209796341-G-A.
Other names: c.2542C>T, p.Arg848Trp (NM_001017402.2, NM_001127641.1); short protein forms R848W.
Identifiers: ClinVar variation 295087 (VCV000295087.17), dbSNP rs59260335, ClinGen allele CA1375213.

ClinVar aggregate classification (germline): Benign. Review status: criteria provided, multiple submitters, no conflicts (2 of 4 stars). 4 submissions from 4 submitters: Benign (4). Last evaluated 2026-02-01.

Conditions:
Junctional epidermolysis bullosa. Identifiers: Orphanet 305, MedGen C0079301, MONDO:0017612.

Allele frequency attached by ClinVar (database versions not stated): gnomAD exomes 0.00325; ExAC 0.00381; gnomAD 0.01186 and 0.01279; 1000 Genomes Project 0.01218; TOPMed 0.01287; 1000 Genomes Project 30x 0.01437; ESP Exome Variant Server 0.01615.
gnomAD v4.1: 3,469 of 1,613,282 alleles (0.22%); highest among the groups gnomAD compares: African/African-American, 3.9%; 63 homozygotes.

Submissions (4):

Labcorp Genetics (formerly Invitae), Labcorp
Classification: Benign. Last evaluated: 2026-02-01. Review status: criteria provided, single submitter. Criteria: Invitae Variant Classification Sherloc (09022015). Collection method: clinical testing. Allele origin: germline.

Illumina Laboratory Services, Illumina
Classification: Benign for Junctional epidermolysis bullosa. Last evaluated: 2018-01-13. Review status: criteria provided, single submitter. Criteria: ICSL Variant Classification Criteria 13 December 2019. Collection method: clinical testing. Allele origin: germline.
Comment: This variant was observed in the ICSL laboratory as part of a predisposition screen in an ostensibly healthy population. It had not been previously curated by ICSL or reported in the Human Gene Mutation Database (HGMD: prior to June 1st, 2018), and was therefore a candidate for classification through an automated scoring system. Utilizing variant allele frequency, disease prevalence and penetrance estimates, and inheritance mode, an automated score was calculated to assess if this variant is too frequent to cause the disease. Based on the score and internal cut-off values, a variant classified as benign is not then subjected to further curation. The score for this variant resulted in a classification of benign for this disease.

GeneDx
Classification: Benign. Last evaluated: 2015-03-03. Review status: criteria provided, single submitter. Criteria: GeneDx Variant Classification Process June 2021. Collection method: clinical testing. Allele origin: germline. Affected: yes.

Breakthrough Genomics
Classification: Benign. Review status: criteria provided, single submitter. Criteria: ACMG Guidelines, 2015. Collection method: not provided. Allele origin: germline. Inheritance: Autosomal recessive inheritance. Affected: yes.